The following is an entry in ClinVar:

NM_014956.5(CEP164):c.4339C>T (p.Leu1447=)

Gene: CEP164 (centrosomal protein 164; plus strand). Cytogenetic location: 11q23.3.
Variant type: single nucleotide variant.
Coding change: c.4339C>T on transcript NM_014956.5 (MANE Select); coding-DNA position 4339, C replaced by T.
Protein change: p.Leu1447=; no amino-acid change (leucine 1447 retained).
Molecular consequence: synonymous variant.
Genome position (GRCh38, 1-based): chr11:117,412,124, C>T. VCF-style: chr11-117412124-C-T. GRCh37 (hg19) VCF-style: chr11-117282840-C-T.
Other names: c.4339C>T, p.Leu1447= (NM_001440951.1, NM_001440950.1); c.4330C>T, p.Leu1444= (NM_001440952.1); c.4315C>T, p.Leu1439= (NM_001440953.1); c.4261C>T, p.Leu1421= (NM_001440954.1, NM_001440955.1); c.4252C>T, p.Leu1418= (NM_001440956.1); c.4249C>T, p.Leu1417= (NM_001440957.1); c.4237C>T, p.Leu1413= (NM_001440958.1, NM_001440959.1); c.4210C>T, p.Leu1404= (NM_001440960.1); and 21 more.
Identifiers: ClinVar variation 4992490 (VCV004992490.1).
Genomic context (GRCh38, chr11:117,412,124, plus strand): 5'-GTGGCCAGACCTCTCTTCTCGTCAACACCCAAGCCAAAAGCTACTTTGAGCCTCCTGCAG[C>T]TGGGCCTTGATGAGCACAACAGAGTGAAGGTGTATCGCTTCTGAGGCCCTGAGCAGGGGC-3'
Protein context (NP_055771.4, residues 1437-1457): KPKATLSLLQ[Leu1447=]GLDEHNRVKV

ClinVar aggregate classification (germline): Likely benign (1 of 4 stars; one submission).

Conditions:
CEP164-related disorder. Also called: CEP164-related condition.

Submission:

PreventionGenetics, part of Exact Sciences
Classification: Likely benign for CEP164-related condition. Last evaluated: 2026-01-29. Review status: criteria provided, single submitter. Criteria: ACMG Guidelines, 2015. Collection method: clinical testing. Allele origin: germline.
Comment: This variant is classified as likely benign based on ACMG/AMP sequence variant interpretation guidelines (Richards et al. 2015 PMID: 25741868, with internal and published modifications).